The following is an entry in ClinVar:

ClinVar aggregate classification (germline): Uncertain significance. Review status: criteria provided, multiple submitters, no conflicts (2 of 4 stars). 3 submissions from 3 submitters: Uncertain significance (2). 1 of the submissions does not count toward it. Last evaluated 2025-08-11.

Conditions:
Autosomal dominant polycystic kidney disease. Identifiers: Orphanet 730, MedGen C0085413, MONDO:0004691.
Polycystic kidney disease 2 (PKD2). Also called: POLYCYSTIC KIDNEY DISEASE, ADULT, TYPE II; Polycystic Kidney Disease 2, Autosomal Dominant; POLYCYSTIC KIDNEY DISEASE 2 WITH OR WITHOUT POLYCYSTIC LIVER DISEASE. Identifiers: MedGen C2751306, MONDO:0013131, OMIM 613095.
PKD2-related disorder. Also called: PKD2-related condition.

Allele frequency attached by ClinVar (database versions not stated): gnomAD exomes below 0.00001; gnomAD 0.00001.

Submissions (3):

Labcorp Genetics (formerly Invitae), Labcorp
Classification: Uncertain significance for Autosomal dominant polycystic kidney disease. Last evaluated: 2025-08-11. Review status: criteria provided, single submitter. Criteria: Invitae Variant Classification Sherloc (09022015). Collection method: clinical testing. Allele origin: germline.
Comment: This sequence change replaces arginine, which is basic and polar, with histidine, which is basic and polar, at codon 638 of the PKD2 protein (p.Arg638His). The frequency data for this variant in the population databases is considered unreliable, as metrics indicate poor data quality at this position in the gnomAD database. This variant has not been reported in the literature in individuals affected with PKD2-related conditions. ClinVar contains an entry for this variant (Variation ID: 1905751). Invitae Evidence Modeling of protein sequence and biophysical properties (such as structural, functional, and spatial information, amino acid conservation, physicochemical variation, residue mobility, and thermodynamic stability) indicates that this missense variant is expected to disrupt PKD2 protein function with a positive predictive value of 80%. In summary, the available evidence is currently insufficient to determine the role of this variant in disease. Therefore, it has been classified as a Variant of Uncertain Significance.

Fulgent Genetics
Classification: Uncertain significance for Polycystic kidney disease 2. Last evaluated: 2024-03-27. Review status: criteria provided, single submitter. Criteria: ACMG Guidelines, 2015. Collection method: clinical testing. Allele origin: germline.

PreventionGenetics, part of Exact Sciences
Classification: Uncertain significance for PKD2-related condition. Last evaluated: 2024-06-17. Review status: no assertion criteria provided. Collection method: clinical testing. Allele origin: germline. Not counted in ClinVar's aggregate classification.
Comment: The PKD2 c.1913G>A variant is predicted to result in the amino acid substitution p.Arg638His. To our knowledge, this variant has not been reported in the literature. This variant is reported in 0.00088% of alleles in individuals of European (Non-Finnish) descent in gnomAD. At this time, the clinical significance of this variant is uncertain due to the absence of conclusive functional and genetic evidence.

NM_000297.4(PKD2):c.1913G>A (p.Arg638His)

Gene: PKD2 (polycystin 2, transient receptor potential cation channel; plus strand). Cytogenetic location: 4q22.1.
Variant type: single nucleotide variant.
Coding change: c.1913G>A on transcript NM_000297.4 (MANE Select); coding-DNA position 1913, G replaced by A.
Protein change: p.Arg638His; replaces arginine 638 with histidine.
Molecular consequence: missense variant.
Genome position (GRCh38, 1-based): chr4:88,057,997, G>A. VCF-style: chr4-88057997-G-A. GRCh37 (hg19) VCF-style: chr4-88979149-G-A.
Other names: c.1913G>A (NM_000297.3); short protein forms R638H.
Identifiers: ClinVar variation 1905751 (VCV001905751.7), dbSNP rs1308512918, ClinGen allele CA357623056.